The following is an entry in ClinVar:

ClinVar aggregate classification (germline): Uncertain significance (1 of 4 stars; one submission).

gnomAD v4.1: 1 of 1,613,178 alleles (0.000062%); highest among the groups gnomAD compares: Non-Finnish European, 0.000085%; no homozygotes.

Submission:

Women's Health and Genetics/Laboratory Corporation of America, LabCorp
Classification: Uncertain significance. Last evaluated: 2026-06-10. Review status: criteria provided, single submitter. Criteria: LabCorp Variant Classification Summary - May 2015. Collection method: clinical testing. Allele origin: germline.
Comment: Variant summary: HOMER2 c.740C>T (p.Ala247Val) results in a non-conservative amino acid change in the encoded protein sequence. Algorithms developed to predict the effect of missense changes on protein structure and function are either unavailable or do not agree on the potential impact of this missense change. The variant allele was found at a frequency of 4e-06 in 249112 control chromosomes. The available data on variant occurrences in the general population are insufficient to allow any conclusion about variant significance. To our knowledge, no occurrence of c.740C>T in individuals affected with HOMER2-related conditions and no experimental evidence demonstrating its impact on protein function have been reported. No submitters have cited clinical-significance assessments for this variant to ClinVar. Based on the evidence outlined above, the variant was classified as uncertain significance.

NM_004839.4(HOMER2):c.740C>T (p.Ala247Val)

Gene: HOMER2 (homer scaffold protein 2; minus strand). Cytogenetic location: 15q25.2.
Variant type: single nucleotide variant.
Coding change: c.740C>T on transcript NM_004839.4 (MANE Select); coding-DNA position 740, C replaced by T.
Protein change: p.Ala247Val; replaces alanine 247 with valine.
Molecular consequence: missense variant.
Genome position (GRCh38, 1-based): chr15:82,852,164, G>A on the plus strand (C>T on the coding strand, the complement: HOMER2 is on the minus strand). VCF-style: chr15-82852164-G-A. GRCh37 (hg19) VCF-style: chr15-83520916-G-A.
Other names: c.773C>T, p.Ala258Val (NM_199330.3); short protein forms A247V, A258V.
Identifiers: ClinVar variation 4887355 (VCV004887355.1).